The following is an entry in ClinVar:

ClinVar aggregate classification (germline): Uncertain significance (1 of 4 stars; one submission).

Conditions:
Pitt-Hopkins-like syndrome 2 (PTHSL2). Identifiers: Orphanet 221150, Orphanet 600663, MedGen C3280479, MONDO:0013690, OMIM 614325.

Allele frequency attached by ClinVar (database versions not stated): gnomAD exomes 0.00001.
gnomAD v4.1: 3 of 1,613,948 alleles (0.00019%); highest among the groups gnomAD compares: Non-Finnish European, 0.00025%; no homozygotes.

Submission:

Labcorp Genetics (formerly Invitae), Labcorp
Classification: Uncertain significance for Pitt-Hopkins-like syndrome 2. Last evaluated: 2022-10-04. Review status: criteria provided, single submitter. Criteria: Invitae Variant Classification Sherloc (09022015). Collection method: clinical testing. Allele origin: germline.
Comment: This variant is not present in population databases (gnomAD no frequency). This variant has not been reported in the literature in individuals affected with NRXN1-related conditions. Algorithms developed to predict the effect of missense changes on protein structure and function are either unavailable or do not agree on the potential impact of this missense change (SIFT: "Deleterious"; PolyPhen-2: "Probably Damaging"; Align-GVGD: "Class C15"). In summary, the available evidence is currently insufficient to determine the role of this variant in disease. Therefore, it has been classified as a Variant of Uncertain Significance. This sequence change replaces threonine, which is neutral and polar, with isoleucine, which is neutral and non-polar, at codon 523 of the NRXN1 protein (p.Thr523Ile).

NM_001330078.2(NRXN1):c.1448C>T (p.Thr483Ile)

Gene: NRXN1 (neurexin 1; minus strand). Cytogenetic location: 2p16.3.
Variant type: single nucleotide variant.
Coding change: c.1448C>T on transcript NM_001330078.2 (MANE Select); coding-DNA position 1448, C replaced by T.
Protein change: p.Thr483Ile; replaces threonine 483 with isoleucine.
Molecular consequence: missense variant.
Genome position (GRCh38, 1-based): chr2:50,552,898, G>A on the plus strand (C>T on the coding strand, the complement: NRXN1 is on the minus strand). VCF-style: chr2-50552898-G-A. GRCh37 (hg19) VCF-style: chr2-50780036-G-A.
Other names: c.1568C>T, p.Thr523Ile (NM_001135659.3); c.1424C>T, p.Thr475Ile (NM_001330077.2, NM_001330082.2, NM_001330095.2); c.1409C>T, p.Thr470Ile (NM_001330083.2, NM_001330084.2); c.1448C>T, p.Thr483Ile (NM_001330085.2, NM_001330086.2, NM_004801.6); c.1364C>T, p.Thr455Ile (NM_001330087.2, NM_001330096.2); c.1394C>T, p.Thr465Ile (NM_001330088.2); c.1445C>T, p.Thr482Ile (NM_001330093.2); c.1436C>T, p.Thr479Ile (NM_001330094.2); short protein forms T455I, T465I, T470I, T475I, T479I, T482I, T483I, T523I.
Identifiers: ClinVar variation 1720182 (VCV001720182.5), dbSNP rs2465829460, ClinGen allele CA346774086.
Genomic context (GRCh38, chr2:50,552,898, plus strand): 5'-GAGCCAGTTTTCTTTGCATTCCATTTAGGCAAAGAGATGAAAGACTCTGGGGTTTCAAAG[G>A]TGATTGGGTCTAAAGTTGCAACATTCTCACATTTAAATGCCACCACTCCATGGATCTTCA-3'
Protein context (NP_001317007.1, residues 473-493): CENVATLDPI[Thr483Ile]FETPESFISL